The following is an entry in ClinVar:

ClinVar aggregate classification (germline): Uncertain significance (1 of 4 stars; one submission).

Conditions:
Hereditary cancer-predisposing syndrome. Also called: Hereditary Cancer Syndrome; Neoplastic Syndromes, Hereditary; Tumor predisposition; Hereditary neoplastic syndrome. Identifiers: Orphanet 140162, MedGen C0027672, MeSH D009386, MONDO:0015356.

Submission:

Ambry Genetics
Classification: Uncertain significance for Hereditary cancer-predisposing syndrome. Last evaluated: 2020-11-09. Review status: criteria provided, single submitter. Criteria: Ambry Variant Classification Scheme 2023. Collection method: clinical testing. Allele origin: germline.
Comment: The p.Q1604K variant (also known as c.4810C>A), located in coding exon 14 of the BRCA1 gene, results from a C to A substitution at nucleotide position 4810. The glutamine at codon 1604 is replaced by lysine, an amino acid with similar properties. This amino acid position is well conserved in available vertebrate species. In addition, the in silico prediction for this alteration is inconclusive. Since supporting evidence is limited at this time, the clinical significance of this alteration remains unclear.

NM_007294.4(BRCA1):c.4810C>A (p.Gln1604Lys)

Gene: BRCA1 (BRCA1 DNA repair associated; minus strand). Cytogenetic location: 17q21.31.
Variant type: single nucleotide variant.
Coding change: c.4810C>A on transcript NM_007294.4 (MANE Select); coding-DNA position 4810, C replaced by A.
Protein change: p.Gln1604Lys; replaces glutamine 1604 with lysine.
Molecular consequence: missense variant. On other transcripts: non-coding transcript variant (1).
Genome position (GRCh38, 1-based): chr17:43,071,104, G>T on the plus strand (C>A on the coding strand, the complement: BRCA1 is on the minus strand). VCF-style: chr17-43071104-G-T. GRCh37 (hg19) VCF-style: chr17-41223121-G-T.
Other names: c.4804C>A, p.Gln1602Lys (NM_001407629.1, NM_001407632.1, NM_001407633.1 and 14 more transcripts); c.1492C>A, p.Gln498Lys (NM_001408408.1, NM_001408406.1, NM_001408407.1); c.1489C>A, p.Gln497Lys (NM_001408409.1); c.1426C>A, p.Gln476Lys (NM_001408410.1); c.1423C>A, p.Gln475Lys (NM_001408411.1); c.1420C>A, p.Gln474Lys (NM_001408412.1, NM_001408413.1, NM_001408414.1 and 2 more transcripts); c.1384C>A, p.Gln462Lys (NM_001408418.1, NM_001408419.1, NM_001408420.1); c.1381C>A, p.Gln461Lys (NM_001408421.1, NM_001408422.1, NM_001408423.1 and 1 more transcripts); and 70 more; short protein forms Q1307K, Q1308K, Q1476K, Q1576K, Q1578K, Q1599K, Q1624K, Q1626K.
Identifiers: ClinVar variation 1743283 (VCV001743283.2), dbSNP rs80357352, ClinGen allele CA10591901.
Genomic context (GRCh38, chr17:43,071,104, plus strand): 5'-CAGCAGTATCAGTAGTATGAGCAGCAGCTGGACTCTGGGCAGATTCTGCAACTTTCAATT[G>T]GGGAACTTTCAATGCAGAGGTTGAAGATGGTATGTTGCCAACACGAGCTGACTCTGGGGC-3'
Protein context (NP_009225.1, residues 1594-1614): PSSTSALKVP[Gln1604Lys]LKVAESAQSP